The following is an entry in ClinVar:

NM_144596.4(TTC8):c.465C>T (p.Ser155=)

Gene: TTC8 (tetratricopeptide repeat domain 8; plus strand). Cytogenetic location: 14q31.3.
Variant type: single nucleotide variant.
Coding change: c.465C>T on transcript NM_144596.4 (MANE Select); coding-DNA position 465, C replaced by T.
Protein change: p.Ser155=; no amino-acid change (serine 155 retained).
Molecular consequence: synonymous variant. On other transcripts: 5 prime UTR variant (2), non-coding transcript variant (1).
Genome position (GRCh38, 1-based): chr14:88,841,172, C>T. VCF-style: chr14-88841172-C-T. GRCh37 (hg19) VCF-style: chr14-89307516-C-T.
Other names: c.465C>T (NM_144596.3); c.435C>T, p.Ser145= (NM_001288781.1, NM_001366535.2, NM_001366536.2 and 2 more transcripts); c.-128C>T (NM_001288782.1); c.-223C>T (NM_001288783.1).
Identifiers: ClinVar variation 1134681 (VCV001134681.11), dbSNP rs1253468754, ClinGen allele CA487518917.

ClinVar aggregate classification (germline): Likely benign. Review status: criteria provided, multiple submitters, no conflicts (2 of 4 stars). 3 submissions from 3 submitters: Likely benign (3). Last evaluated 2026-04-22.

Conditions:
TTC8-related disorder. Also called: TTC8-related condition.
Retinal dystrophy. Also called: Inherited retinal dystrophy. Identifiers: Orphanet 71862, MedGen C0854723, MeSH D058499, MONDO:0019118, HP:0000556.
Bardet-Biedl syndrome (BBS). Identifiers: Orphanet 110, MedGen C0752166, MONDO:0015229.

Allele frequency attached by ClinVar (database versions not stated): gnomAD 0.00001.
gnomAD v4.1: 29 of 1,613,904 alleles (0.0018%); highest among the groups gnomAD compares: East Asian, 0.0045%; no homozygotes.

Submissions (3):

PreventionGenetics, part of Exact Sciences
Classification: Likely benign for TTC8-related condition. Last evaluated: 2026-04-22. Review status: criteria provided, single submitter. Criteria: ACMG Guidelines, 2015. Collection method: clinical testing. Allele origin: germline.
Comment: This variant is classified as likely benign based on ACMG/AMP sequence variant interpretation guidelines (Richards et al. 2015 PMID: 25741868, with internal and published modifications).

Labcorp Genetics (formerly Invitae), Labcorp
Classification: Likely benign for Bardet-Biedl syndrome. Last evaluated: 2025-12-14. Review status: criteria provided, single submitter. Criteria: Invitae Variant Classification Sherloc (09022015). Collection method: clinical testing. Allele origin: germline.

Dept Of Ophthalmology, Nagoya University
Classification: Likely benign for Retinal dystrophy. Last evaluated: 2023-10-01. Review status: criteria provided, single submitter. Criteria: Submitter's publication. Collection method: research. Allele origin: germline. Affected: yes.